The following is an entry in ClinVar:

ClinVar aggregate classification (germline): Uncertain significance (1 of 4 stars; one submission).

Submission:

Clinical Genomics Laboratory, Laboratory for Precision Diagnostics, University of Washington
Classification: Uncertain significance. Last evaluated: 2024-05-07. Review status: criteria provided, single submitter. Criteria: ACMG/ClinGen CNV Guidelines, 2019. Collection method: clinical testing. Allele origin: unknown. Affected: yes. Observed: 1 variant allele.
Comment: This interstitial duplication is approximately 710 kb in size and is within the pseudo-autosomal region 1, the region of homology between Xp and Yp. Therefore, it's unclear whether this duplication is on the X chromosome or the Y chromosome. The duplication encompasses most or all of two protein-coding genes: DHRSX and ZBED1. Exon 1 of both DHRSX and ZBED1 lies in the gap between probes on this array. It's unclear whether these genes are fully encompassed by the duplication, causing a dosage increase, or whether the proximal breakpoint lies within the genes, potentially causing a loss of function. These genes are not known to cause medical problems in humans, either when an extra copy is present (triplosensitivity), or when one copy is not functioning (haploinsufficient), and this is not a known dosage-sensitive genomic region. There are several patients in DECIPHER with similar duplications, but many do not include enough information to be informative. Three were maternally inherited and three were paternally inherited. In two of them (289305 and 288072), the patient has a second, pathogenic, copy number variant that explains the clinical features, suggesting that this duplication is likely benign. This duplication has been reported to ClinVar several times, and has been classified variously as benign, likely benign, and of unclear significance. Similar duplications also appear in the Database of Genomic Variants (DGV) and gnomAD at low frequency.

Literature cited by the submitters: PubMed 34906464; PubMed 2218739.

GRCh38/hg38 Xp22.33(chrX:1777539-2487700)x2

Genes: DHRSX (dehydrogenase/reductase X-linked; minus strand), ZBED1 (zinc finger BED-type containing 1; minus strand). Cytogenetic location: Xp22.33.
Variant type: copy number gain.
Change: copy number 2 of chrX:1,777,539-2,487,700 (710.2 kb, GRCh38 coordinates, 1-based), cytogenetic band Xp22.33.
Identifiers: ClinVar variation 4974750 (VCV004974750.1).